The following is an entry in ClinVar:

NM_015602.4(TOR1AIP1):c.1477T>C (p.Tyr493His)

Gene: TOR1AIP1 (torsin 1A interacting protein 1; plus strand). Cytogenetic location: 1q25.2.
Variant type: single nucleotide variant.
Coding change: c.1477T>C on transcript NM_015602.4 (MANE Select); coding-DNA position 1477, T replaced by C.
Protein change: p.Tyr493His; replaces tyrosine 493 with histidine.
Molecular consequence: missense variant.
Genome position (GRCh38, 1-based): chr1:179,917,964, T>C. VCF-style: chr1-179917964-T-C. GRCh37 (hg19) VCF-style: chr1-179887099-T-C.
Other names: c.1480T>C, p.Tyr494His (NM_001267578.2); short protein forms Y493H, Y494H.
Identifiers: ClinVar variation 660388 (VCV000660388.9), dbSNP rs1571741081, ClinGen allele CA343575453.
Genomic context (GRCh38, chr1:179,917,964, plus strand): 5'-CAGAATGCAGCTGTGGTACACCGCTTTGAGTCATTTCCCGCAGGCTCTACTTTGATCTTC[T>C]ACAAATATTGTGACCATGAAAACGCGGCCTTCAAAGATGTAGCCTTAGTCCTGACTGTCT-3'
Protein context (NP_056417.2, residues 483-503): SFPAGSTLIF[Tyr493His]KYCDHENAAF

ClinVar aggregate classification (germline): Uncertain significance (1 of 4 stars; one submission).

Conditions:
Autosomal recessive limb-girdle muscular dystrophy type 2Y (MRRSDC). Also called: Muscular dystrophy, limb-girdle, type 2y; Muscular dystrophy, autosomal recessive, with rigid spine and distal joint contractures. Identifiers: Orphanet 424261, MedGen C4511482, MONDO:0014900, OMIM 617072.

gnomAD v4.1: 1 of 1,614,264 alleles (0.000062%); no homozygotes.

Submission:

Labcorp Genetics (formerly Invitae), Labcorp
Classification: Uncertain significance for Autosomal recessive limb-girdle muscular dystrophy type 2Y. Last evaluated: 2024-02-24. Review status: criteria provided, single submitter. Criteria: Invitae Variant Classification Sherloc (09022015). Collection method: clinical testing. Allele origin: germline.
Comment: This sequence change replaces tyrosine, which is neutral and polar, with histidine, which is basic and polar, at codon 494 of the TOR1AIP1 protein (p.Tyr494His). This variant is not present in population databases (gnomAD no frequency). This variant has not been reported in the literature in individuals affected with TOR1AIP1-related conditions. ClinVar contains an entry for this variant (Variation ID: 660388). Advanced modeling of protein sequence and biophysical properties (such as structural, functional, and spatial information, amino acid conservation, physicochemical variation, residue mobility, and thermodynamic stability) performed at Invitae indicates that this missense variant is expected to disrupt TOR1AIP1 protein function with a positive predictive value of 80%. In summary, the available evidence is currently insufficient to determine the role of this variant in disease. Therefore, it has been classified as a Variant of Uncertain Significance.